The following is an entry in ClinVar:

ClinVar aggregate classification (germline): Uncertain significance (1 of 4 stars; one submission).

Submission:

Labcorp Genetics (formerly Invitae), Labcorp
Classification: Uncertain significance. Last evaluated: 2021-08-03. Review status: criteria provided, single submitter. Criteria: Invitae Variant Classification Sherloc (09022015). Collection method: clinical testing. Allele origin: germline.
Comment: In summary, the available evidence is currently insufficient to determine the role of this variant in disease. Therefore, it has been classified as a Variant of Uncertain Significance. Experimental studies and prediction algorithms are not available or were not evaluated, and the functional significance of this variant is currently unknown. This variant has not been reported in the literature in individuals affected with FBXO11-related conditions. The frequency data for this variant in the population databases is considered unreliable, as metrics indicate insufficient coverage at this position in the ExAC database. This variant, c.123_149del, results in the deletion of 9 amino acid(s) of the FBXO11 protein (p.Pro45_Gln53del), but otherwise preserves the integrity of the reading frame.

NM_001190274.2(FBXO11):c.123_149del (p.Pro45_Gln53del)

Genes: FBXO11 (F-box protein 11; minus strand), LOC100506235 (uncharacterized LOC100506235; plus strand). Cytogenetic location: 2p16.3.
Variant type: Deletion.
Coding change: c.123_149del on transcript NM_001190274.2 (MANE Select); coding-DNA positions 123 to 149, 27 bases deleted (CCAGCAGCAGCCTCCGCCGCCGCCGCA).
Protein change: p.Pro45_Gln53del.
Molecular consequence: inframe deletion.
Genome position (GRCh38, 1-based): chr2:47,905,572-47,905,598, TGCGGCGGCGGCGGAGGCTGCTGCTGG deleted on the plus strand (CCAGCAGCAGCCTCCGCCGCCGCCGCA on the coding strand, the reverse complement: FBXO11 is on the minus strand). VCF-style (leftmost placement, unchanged base first): chr2-47905571-CTGCGGCGGCGGCGGAGGCTGCTGCTGG-C. GRCh37 (hg19) VCF-style: chr2-48132710-CTGCGGCGGCGGCGGAGGCTGCTGCTGG-C.
Identifiers: ClinVar variation 1509900 (VCV001509900.6), dbSNP rs2104138667, ClinGen allele CA2573134938.